The following is an entry in ClinVar:

NM_001370259.2(MEN1):c.869A>T (p.Glu290Val)

Gene: MEN1 (menin 1; minus strand). Cytogenetic location: 11q13.1.
Variant type: single nucleotide variant.
Coding change: c.869A>T on transcript NM_001370259.2 (MANE Select); coding-DNA position 869, A replaced by T.
Protein change: p.Glu290Val; replaces glutamic acid 290 with valine.
Molecular consequence: missense variant.
Genome position (GRCh38, 1-based): chr11:64,807,054, T>A on the plus strand (A>T on the coding strand, the complement: MEN1 is on the minus strand). VCF-style: chr11-64807054-T-A. GRCh37 (hg19) VCF-style: chr11-64574526-T-A.
Other names: c.884A>T, p.Glu295Val (NM_000244.4, NM_130800.3, NM_130801.3 and 3 more transcripts); c.869A>T, p.Glu290Val (NM_001370251.2, NM_001370260.2, NM_001370261.2 and 1 more transcripts); c.764A>T, p.Glu255Val (NM_001370262.2, NM_001370263.2); short protein forms E295V, E255V, E290V.
Identifiers: ClinVar variation 643563 (VCV000643563.12), dbSNP rs1213891703, ClinGen allele CA381183564.
Genomic context (GRCh38, chr11:64,807,054, plus strand): 5'-TCCTTAGATGCCCCCACCTTGTGGTAGAGGGTGAGTGGGTCTGGCCGGCCAGGGGTGGGC[T>A]CCAGCTCCTCTAGATCTGCCAGGTTCCCTAAGGCCATGGGGTACCTAGGAAAGGATCATA-3'
Protein context (NP_001357188.2, residues 280-300): LGNLADLEEL[Glu290Val]PTPGRPDPLT

ClinVar aggregate classification (germline): Uncertain significance. Review status: criteria provided, multiple submitters, no conflicts (2 of 4 stars). 2 submissions from 2 submitters: Uncertain significance (2). Last evaluated 2025-07-30.

Conditions:
Hereditary cancer-predisposing syndrome. Also called: Neoplastic Syndromes, Hereditary; Hereditary Cancer Syndrome; Hereditary neoplastic syndrome; Tumor predisposition. Identifiers: Orphanet 140162, MedGen C0027672, MeSH D009386, MONDO:0015356.
Multiple endocrine neoplasia, type 1 (MEN1). Also called: MEA I; MEN I; WERMER SYNDROME; Endocrine adenomatosis multiple; MEN 1. Identifiers: Orphanet 652, MedGen C0025267, MeSH D018761, MONDO:0007540, OMIM 131100.

gnomAD v4.1: 1 of 1,613,738 alleles (0.000062%); highest among the groups gnomAD compares: Non-Finnish European, 0.000085%; no homozygotes.

Submissions (2):

Labcorp Genetics (formerly Invitae), Labcorp
Classification: Uncertain significance for Multiple endocrine neoplasia, type 1. Last evaluated: 2025-07-30. Review status: criteria provided, single submitter. Criteria: Invitae Variant Classification Sherloc (09022015). Collection method: clinical testing. Allele origin: germline.
Comment: This sequence change replaces glutamic acid, which is acidic and polar, with valine, which is neutral and non-polar, at codon 290 of the MEN1 protein (p.Glu290Val). This variant is not present in population databases (gnomAD no frequency). This variant has not been reported in the literature in individuals affected with MEN1-related conditions. ClinVar contains an entry for this variant (Variation ID: 643563). Invitae Evidence Modeling of protein sequence and biophysical properties (such as structural, functional, and spatial information, amino acid conservation, physicochemical variation, residue mobility, and thermodynamic stability) has been performed for this missense variant. However, the output from this modeling did not meet the statistical confidence thresholds required to predict the impact of this variant on MEN1 protein function. In summary, the available evidence is currently insufficient to determine the role of this variant in disease. Therefore, it has been classified as a Variant of Uncertain Significance.

Ambry Genetics
Classification: Uncertain significance for Hereditary cancer-predisposing syndrome. Last evaluated: 2025-04-08. Review status: criteria provided, single submitter. Criteria: Ambry Variant Classification Scheme 2023. Collection method: clinical testing. Allele origin: germline.
Comment: The p.E290V variant (also known as c.869A>T), located in coding exon 5 of the MEN1 gene, results from an A to T substitution at nucleotide position 869. The glutamic acid at codon 290 is replaced by valine, an amino acid with dissimilar properties. This variant was reported in individual(s) with features consistent with multiple endocrine neoplasia type 1 (Romanet P et al. Hum Mutat, 2019 Jun;40:661-674; Ambry internal data). This amino acid position is highly conserved in available vertebrate species. In addition, the in silico prediction for this alteration is inconclusive. Based on the available evidence, the clinical significance of this alteration remains unclear.

Literature cited by the submitters: PubMed 30869828 (cited by Ambry Genetics).